The following is an entry in ClinVar:

ClinVar aggregate classification (germline): Uncertain significance. Review status: criteria provided, multiple submitters, no conflicts (2 of 4 stars). 2 submissions from 2 submitters: Uncertain significance (2). Last evaluated 2018-03-20.

Conditions:
15q11q13 microduplication syndrome. Also called: DUPLICATION 15q11-q13 SYNDROME; Chromosome 15q11-q13 duplication syndrome; Maternal 15q Duplication Syndrome; 15q11.2-q13.1 Duplication Syndrome. Identifiers: Orphanet 238446, MedGen C2675336, MONDO:0012081, OMIM 608636.

Allele frequency attached by ClinVar (database versions not stated): gnomAD exomes below 0.00001; TOPMed below 0.00001; gnomAD 0.00001.
gnomAD v4.1: 2 of 1,613,692 alleles (0.00012%); highest among the groups gnomAD compares: South Asian, 0.0022%; no homozygotes.

Submissions (2):

GeneDx
Classification: Uncertain significance. Last evaluated: 2018-03-20. Review status: criteria provided, single submitter. Criteria: GeneDx Variant Classification (06012015). Collection method: clinical testing. Allele origin: germline. Affected: yes.
Comment: The G1057S variant in the AUTS2 gene has not been reported previously as a pathogenic variant, noras a benign variant, to our knowledge. The G1057S variant was not observed in approximately 6500individuals of European and African American ancestry in the NHLBI Exome Sequencing Project,indicating it is not a common benign variant in these populations. The G1057S variant is anon-conservative amino acid substitution, which is likely to impact secondary protein structure asthese residues differ in polarity, charge, size and/or other properties. This substitution occurs at aposition that is conserved across species, and in silico analysis predicts this variant is probablydamaging to the protein structure/function. We interpret G1057S as a variant of uncertainsignificance.

Geisinger Autism and Developmental Medicine Institute, Geisinger Health System
Classification: Uncertain significance for 15q11q13 microduplication syndrome. Last evaluated: 2018-01-23. Review status: criteria provided, single submitter. Criteria: ACMG Guidelines, 2015. Collection method: provider interpretation, clinical testing. Allele origin: paternal. Observed: 1 variant allele.
Comment: Asymmetrical low-lying right cerebellar tonsil was also noted. This variant is absent from gnomAD and computational models predict this variant is probably damaging.

Literature cited by the submitters: PubMed 25205402 (cited by Geisinger Autism and Developmental Medicine Institute, Geisinger Health System); PubMed 28505103 (cited by Geisinger Autism and Developmental Medicine Institute, Geisinger Health System).

NM_015570.4(AUTS2):c.3169G>A (p.Gly1057Ser)

Gene: AUTS2 (activator of transcription and developmental regulator AUTS2; plus strand). Cytogenetic location: 7q11.22.
Variant type: single nucleotide variant.
Coding change: c.3169G>A on transcript NM_015570.4 (MANE Select); coding-DNA position 3169, G replaced by A.
Protein change: p.Gly1057Ser; replaces glycine 1057 with serine.
Molecular consequence: missense variant.
Genome position (GRCh38, 1-based): chr7:70,790,385, G>A. VCF-style: chr7-70790385-G-A. GRCh37 (hg19) VCF-style: chr7-70255371-G-A.
Other names: c.3097G>A, p.Gly1033Ser (NM_001127231.3); short protein forms G1057S, G1033S.
Identifiers: ClinVar variation 386816 (VCV000386816.4), dbSNP rs1057522609, ClinGen allele CA16605890.